The following is an entry in ClinVar:

NM_005633.4(SOS1):c.510+9C>G

Gene: SOS1 (SOS Ras/Rac guanine nucleotide exchange factor 1; minus strand). Cytogenetic location: 2p22.1.
Variant type: single nucleotide variant.
Coding change: c.510+9C>G on transcript NM_005633.4 (MANE Select); 9 bases into the intron after coding-DNA position 510, C replaced by G.
Molecular consequence: intron variant.
Genome position (GRCh38, 1-based): chr2:39,056,693, G>C on the plus strand (C>G on the coding strand, the complement: SOS1 is on the minus strand). VCF-style: chr2-39056693-G-C. GRCh37 (hg19) VCF-style: chr2-39283834-G-C.
Other names: c.489+9C>G (NM_001382394.1); c.510+9C>G (NM_001382395.1).
Identifiers: ClinVar variation 633002 (VCV000633002.17), dbSNP rs553448375, ClinGen allele CA1624787.

ClinVar aggregate classification (germline): Benign/Likely benign. Review status: criteria provided, multiple submitters, no conflicts (2 of 4 stars). 7 submissions from 6 submitters: Benign (5); Likely benign (1). 1 of the submissions does not count toward it. Last evaluated 2025-09-15.

Conditions:
RASopathy. Also called: rasopathies; Noonan spectrum disorder. Identifiers: Orphanet 536391, MedGen C5555857, MONDO:0021060.
SOS1-related disorder. Also called: SOS1-related condition.
Fibromatosis, gingival, 1 (GINGF1). Identifiers: Orphanet 2024, MedGen C4551558, MONDO:0007609, OMIM 135300.
Noonan syndrome 4 (NS4). Also called: SOS1-Related Noonan Syndrome; NOONAN SYNDROME WITH PIGMENTED VILLONODULAR SYNOVITIS. Identifiers: Orphanet 648, MedGen C1853120, MONDO:0012547, OMIM 610733.

Allele frequency attached by ClinVar (database versions not stated): gnomAD exomes 0.00002 and 0.00014; gnomAD 0.00003 and 0.00004; ExAC 0.00008; TOPMed 0.00008; 1000 Genomes Project 30x 0.00031; 1000 Genomes Project 0.00040.
gnomAD v4.1: 34 of 1,584,072 alleles (0.0021%); highest among the groups gnomAD compares: East Asian, 0.074%; no homozygotes.

Submissions (7):

Labcorp Genetics (formerly Invitae), Labcorp
Classification: Benign for RASopathy. Last evaluated: 2025-09-15. Review status: criteria provided, single submitter. Criteria: Invitae Variant Classification Sherloc (09022015). Collection method: clinical testing. Allele origin: germline.

Blueprint Genetics
Classification: Likely benign. Last evaluated: 2023-11-03. Review status: criteria provided, single submitter. Criteria: ACMG Guidelines, 2015. Collection method: clinical testing. Allele origin: germline.

GeneDx
Classification: Benign. Last evaluated: 2021-10-14. Review status: criteria provided, single submitter. Criteria: GeneDx Variant Classification Process June 2021. Collection method: clinical testing. Allele origin: germline. Affected: yes.

Women's Health and Genetics/Laboratory Corporation of America, LabCorp
Classification: Benign. Last evaluated: 2018-09-03. Review status: criteria provided, single submitter. Criteria: LabCorp Variant Classification Summary - May 2015. Collection method: clinical testing. Allele origin: germline.
Comment: Variant summary: SOS1 c.510+9C>G alters a nucleotide located close to a canonical splice site and therefore could affect mRNA splicing, leading to a significantly altered protein sequence. Several computational tools predict a significant impact on normal splicing: Three predict the variant creates a 5 donor site. However, these predictions have yet to be confirmed by functional studies. The variant allele was found at a frequency of 0.00012 in 276914 control chromosomes, predominantly at a frequency of 0.0017 within the East Asian subpopulation in the gnomAD database. The observed variant frequency within East Asian control individuals in the gnomAD database is approximately 57-folds higher than the estimated maximal expected allele frequency for a pathogenic variant in SOS1 causing Noonan Syndrome and Related Conditions phenotype (3e-05), strongly suggesting that the variant is a benign polymorphism found primarily in populations of East Asian origin. To our knowledge, no occurrence of c.510+9C>G in individuals affected with Noonan Syndrome and Related Conditions and no experimental evidence demonstrating its impact on protein function have been reported. No clinical diagnostic laboratories have submitted clinical-significance assessments for this variant to ClinVar after 2014. Based on the evidence outlined above, the variant was classified as benign.

Genome-Nilou Lab
Classification: Benign for Noonan syndrome 4. Review status: criteria provided, single submitter. Criteria: ACMG Guidelines, 2015. Collection method: clinical testing. Allele origin: germline.

Genome-Nilou Lab
Classification: Benign for Fibromatosis, gingival, 1. Review status: criteria provided, single submitter. Criteria: ACMG Guidelines, 2015. Collection method: clinical testing. Allele origin: germline.

PreventionGenetics, part of Exact Sciences
Classification: Likely benign for SOS1-related condition. Last evaluated: 2022-07-19. Review status: no assertion criteria provided. Collection method: clinical testing. Allele origin: germline. Not counted in ClinVar's aggregate classification.
Comment: This variant is classified as likely benign based on ACMG/AMP sequence variant interpretation guidelines (Richards et al. 2015 PMID: 25741868, with internal and published modifications).